The following is an entry in ClinVar:

ClinVar aggregate classification (germline): Likely pathogenic (1 of 4 stars; one submission).

Conditions:
Angelman syndrome (AS). Also called: HAPPY PUPPET SYNDROME. Identifiers: Orphanet 72, MedGen C0162635, MONDO:0007113, OMIM 105830. Disease mechanism: loss of function. Inheritance: AS is caused by disruption of maternally imprinted UBE3A located within the 15q11.2-q13 Angelman syndrome/Prader-Willi syndrome (AS/PWS) region., imprinting disorder.

Submission:

Department of Medical Genetics, College of Basic Medicine, Army Medical University
Classification: Likely pathogenic for Angelman syndrome. Last evaluated: 2025-06-17. Review status: criteria provided, single submitter. Criteria: ACMG Guidelines, 2015. Collection method: research. Allele origin: maternal. Inheritance: Autosomal dominant inheritance with maternal imprinting. Affected: yes. Observed: 4 variant alleles, 4 heterozygotes.
Comment: The novel variant NM_130838.4:c.2369_2371del (p.Asp790_Arg791delinsGly) in UBE3A's HECT domain was identified in a 4-generation Chinese family (n=26) with Angelman syndrome. This variant is reported for the first time domestically and internationally. Segregation analysis revealed: - 5 mutation carriers in the pedigree. - 4 affected individuals with core phenotypes . - Complete cosegregation with maternal inheritance (PS4) . Bioinformatic evidence: - PhyloP score=6.095 / PhastCons=1.0 (PM1) . - PROVEAN: deleterious (-19.027); MutationTaster: disease-causing (PP3) . - Protein modeling (AlphaFold AF-P51965-F1) showed loss of two β-sheets . Classified as likely pathogenic per ACMG guidelines. Ethics Approval: No. (2021), Ethics (Research) No. (279)

Literature cited by the submitters: PubMed 20445456; PubMed 31235867.

NM_130839.5(UBE3A):c.2429_2434delinsGGA (p.Asp810_Ala812delinsGlyThr)

Genes: SNHG14 (small nucleolar RNA host gene 14; plus strand), UBE3A (ubiquitin protein ligase E3A; minus strand). Cytogenetic location: 15q11.2.
Variant type: Indel.
Coding change: c.2429_2434delinsGGA on transcript NM_130839.5 (MANE Select); coding-DNA positions 2429 to 2434, ACAGAG replaced by GGA.
Protein change: p.Asp810_Ala812delinsGlyThr.
Molecular consequence: inframe indel. On other transcripts: non-coding transcript variant (1).
Genome position (GRCh38, 1-based): chr15:25,340,149-25,340,154, CTCTGT replaced by TCC on the plus strand (ACAGAG replaced by GGA on the coding strand, the reverse complement: UBE3A is on the minus strand). VCF-style: chr15-25340149-CTCTGT-TCC. GRCh37 (hg19) VCF-style: chr15-25585296-CTCTGT-TCC.
Other names: Asp-Arg ? Gly; delGACAGAinsGGA; p.Asp790_Arg791delinsGly; c.2369_2374delinsGGA, p.Asp790_Ala792delinsGlyThr (NM_001354511.2, NM_001354512.2, NM_001354513.2 and 14 more transcripts); c.2429_2434delinsGGA, p.Asp810_Ala812delinsGlyThr (NM_001354538.2, NM_001354505.1); c.2273_2278delinsGGA, p.Asp758_Ala760delinsGlyThr (NM_001354545.2); c.2252_2257delinsGGA, p.Asp751_Ala753delinsGlyThr (NM_001354546.2); c.2213_2218delinsGGA, p.Asp738_Ala740delinsGlyThr (NM_001354547.2, NM_001354548.2); and 4 more.
Identifiers: ClinVar variation 4075761 (VCV004075761.1).